The following is an entry in ClinVar:

NM_003722.5(TP63):c.1735del (p.Tyr579fs)

Gene: TP63 (tumor protein p63; plus strand). Cytogenetic location: 3q28.
Variant type: Deletion.
Coding change: c.1735del on transcript NM_003722.5 (MANE Select); coding-DNA position 1735, one base deleted (T; older notation c.1735delT).
Protein change: p.Tyr579fs; shifts the reading frame from tyrosine 579.
Molecular consequence: frameshift variant. On other transcripts: intron variant (6).
Genome position (GRCh38, 1-based): chr3:189,890,871, T deleted; the last of 2 consecutive T bases (chr3:189,890,870-189,890,871); deleting either gives the same sequence. VCF-style (leftmost placement, unchanged base first): chr3-189890869-AT-A. GRCh37 (hg19) VCF-style: chr3-189608658-AT-A.
Other names: c.1453del, p.Tyr485fs (NM_001114980.2); c.1198del, p.Tyr400fs (NM_001329146.2); c.1723del, p.Tyr575fs (NM_001329148.2); c.1729del, p.Tyr577fs (NM_001329964.2); c.1652+1387del (NM_001114978.2); c.1508-3335del (NM_001329144.2); c.1370+1387del (NM_001114981.2); c.1226-3335del (NM_001329145.2); and 2 more; short protein forms Y485fs, Y575fs, Y400fs, Y577fs, Y579fs.
Identifiers: ClinVar variation 2079999 (VCV002079999.3), dbSNP rs2474713823, ClinGen allele CA2580070515.
Genomic context (GRCh38, chr3:189,890,869, plus strand): 5'-GTTCATCATGTCTGGACTATTTCACGACCCAGGGGCTGACCACCATCTATCAGATTGAGC[AT>A]TACTCCATGGATGTAAGTAACTGTTAGACTTTTCTCAAATTTTATTTCTTCATTTCTTTC-3'

ClinVar aggregate classification (germline): Pathogenic (1 of 4 stars; one submission).

Conditions:
TP63-Related Spectrum Disorders.

Submission:

Labcorp Genetics (formerly Invitae), Labcorp
Classification: Pathogenic. Last evaluated: 2022-01-11. Review status: criteria provided, single submitter. Criteria: Invitae Variant Classification Sherloc (09022015). Collection method: clinical testing. Allele origin: germline.
Comment: This sequence change creates a premature translational stop signal (p.Tyr579Thrfs*9) in the TP63 gene. While this is not anticipated to result in nonsense mediated decay, it is expected to disrupt the last 102 amino acid(s) of the TP63 protein. This variant is not present in population databases (gnomAD no frequency). This premature translational stop signal has been observed in individual(s) with TP63-related disorders (Invitae). This variant disrupts the region of the TP63 protein between codon 576 and 658. Other variants in this region have been observed in individuals with autosomal dominant TP63-related conditions (PMID: 11159940, 20156774, 30809829; Invitae), which suggests that this may be a clinically significant region of the protein. For these reasons, this variant has been classified as Pathogenic.

Literature cited by the submitters: PubMed 11159940; PubMed 20156774; PubMed 30809829.